The following is an entry in ClinVar:

NM_001330078.2(NRXN1):c.3702C>G (p.Ile1234Met)

Gene: NRXN1 (neurexin 1; minus strand). Cytogenetic location: 2p16.3.
Variant type: single nucleotide variant.
Coding change: c.3702C>G on transcript NM_001330078.2 (MANE Select); coding-DNA position 3702, C replaced by G.
Protein change: p.Ile1234Met; replaces isoleucine 1234 with methionine.
Molecular consequence: missense variant.
Genome position (GRCh38, 1-based): chr2:50,091,339, G>C on the plus strand (C>G on the coding strand, the complement: NRXN1 is on the minus strand). VCF-style: chr2-50091339-G-C. GRCh37 (hg19) VCF-style: chr2-50318477-G-C.
Other names: c.3636C>G, p.Ile1212Met (NM_001330083.2, NM_001330084.2); c.3675C>G, p.Ile1225Met (NM_001330085.2); c.3702C>G, p.Ile1234Met (NM_001330086.2, NM_004801.6); c.3591C>G, p.Ile1197Met (NM_001330087.2, NM_001330096.2); c.3621C>G, p.Ile1207Met (NM_001330088.2); c.597C>G, p.Ile199Met (NM_001330091.2, NM_001330092.2, NM_001330097.2 and 1 more transcripts); c.3699C>G, p.Ile1233Met (NM_001330093.2); c.3690C>G, p.Ile1230Met (NM_001330094.2); and 3 more; short protein forms I1207M, I1225M, I199M, I1197M, I1212M, I1233M, I1234M, I1217M.
Identifiers: ClinVar variation 1374593 (VCV001374593.8), dbSNP rs201812430, ClinGen allele CA1654391.
Genomic context (GRCh38, chr2:50,091,339, plus strand): 5'-TGTTTTTCATAAAATCTTCCCCCGATACATATTCACTTGCTTACCTGCAGGGTAGCGCTC[G>C]ATCACTGGCCAGCTGTCCACCTGCAACGTGGCATTGCCACCACTCCTCGTGAAACGAACT-3'
Protein context (NP_001317007.1, residues 1224-1244): ATLQVDSWPV[Ile1234Met]ERYPAGNNDN

ClinVar aggregate classification (germline): Uncertain significance (1 of 4 stars; one submission).

Conditions:
Pitt-Hopkins-like syndrome 2 (PTHSL2). Identifiers: Orphanet 221150, Orphanet 600663, MedGen C3280479, MONDO:0013690, OMIM 614325.

gnomAD v4.1: 6 of 1,614,110 alleles (0.00037%); highest among the groups gnomAD compares: Non-Finnish European, 0.00051%; no homozygotes.

Submission:

Labcorp Genetics (formerly Invitae), Labcorp
Classification: Uncertain significance for Pitt-Hopkins-like syndrome 2. Last evaluated: 2024-03-21. Review status: criteria provided, single submitter. Criteria: Invitae Variant Classification Sherloc (09022015). Collection method: clinical testing. Allele origin: germline.
Comment: This sequence change replaces isoleucine, which is neutral and non-polar, with methionine, which is neutral and non-polar, at codon 1274 of the NRXN1 protein (p.Ile1274Met). This variant is present in population databases (rs201812430, gnomAD 0.003%). This variant has not been reported in the literature in individuals affected with NRXN1-related conditions. ClinVar contains an entry for this variant (Variation ID: 1374593). Advanced modeling of protein sequence and biophysical properties (such as structural, functional, and spatial information, amino acid conservation, physicochemical variation, residue mobility, and thermodynamic stability) performed at Invitae indicates that this missense variant is not expected to disrupt NRXN1 protein function with a negative predictive value of 80%. In summary, the available evidence is currently insufficient to determine the role of this variant in disease. Therefore, it has been classified as a Variant of Uncertain Significance.